The following is an entry in ClinVar:

ClinVar aggregate classification (germline): Pathogenic/Likely pathogenic. Review status: criteria provided, multiple submitters, no conflicts (2 of 4 stars). 5 submissions from 5 submitters: Pathogenic (2); Likely pathogenic (1). 2 of the submissions do not count toward it. Last evaluated 2023-12-21.

Conditions:
Early-infantile DEE. Also called: Early infantile epileptic encephalopathy; Early infantile epileptic encephalopathy with suppression bursts; Ohtahara syndrome. Identifiers: Orphanet 1934, MedGen C0393706, MONDO:0800491.
Developmental and epileptic encephalopathy, 7 (DEE7). Also called: KCNQ2-Related Neonatal-Onset Developmental and Epileptic Encephalopathy (NEO-DEE); Early infantile epileptic encephalopathy 7; KCNQ2-Related Neonatal Epileptic Encephalopathy. Identifiers: Orphanet 439218, MedGen C3150986, MONDO:0013387, OMIM 613720.
Seizures, benign familial neonatal, 1. Also called: KCNQ2-Related Self-Limited Familial Neonatal Epilepsy (SLFNE); Benign Neonatal Epilepsy 1; Seizures, benign neonatal, 1; KCNQ2-Related Benign Familial Neonatal Epilepsy. Identifiers: Orphanet 1949, MedGen C3149074, MONDO:0007365, OMIM 121200.
Intellectual disability. Also called: Intellectual functioning disability; Intellectual developmental disorder; intellectual disabilities. Identifiers: MedGen C3714756, MeSH D008607, MONDO:0001071, HP:0001249.

Submissions (5):

Labcorp Genetics (formerly Invitae), Labcorp
Classification: Pathogenic for Early-infantile DEE. Last evaluated: 2023-12-21. Review status: criteria provided, single submitter. Criteria: Invitae Variant Classification Sherloc (09022015). Collection method: clinical testing. Allele origin: germline.
Comment: This sequence change replaces arginine, which is basic and polar, with cysteine, which is neutral and slightly polar, at codon 210 of the KCNQ2 protein (p.Arg210Cys). This variant is not present in population databases (gnomAD no frequency). This missense change has been observed in individual(s) with KCNQ2-related benign familial neonatal epilepsy (PMID: 28602030). It has also been observed to segregate with disease in related individuals. ClinVar contains an entry for this variant (Variation ID: 205873). Advanced modeling of protein sequence and biophysical properties (such as structural, functional, and spatial information, amino acid conservation, physicochemical variation, residue mobility, and thermodynamic stability) performed at Invitae indicates that this missense variant is expected to disrupt KCNQ2 protein function with a positive predictive value of 95%. This variant disrupts the p.Arg210 amino acid residue in KCNQ2. Other variant(s) that disrupt this residue have been determined to be pathogenic (Invitae). This suggests that this residue is clinically significant, and that variants that disrupt this residue are likely to be disease-causing. For these reasons, this variant has been classified as Pathogenic.

Baylor Genetics
Classification: Likely pathogenic for Developmental and epileptic encephalopathy, 7. Last evaluated: 2021-12-24. Review status: criteria provided, single submitter. Criteria: ACMG Guidelines, 2015. Collection method: clinical testing. Allele origin: unknown.

Centre de Biologie Pathologie Génétique, Centre Hospitalier Universitaire de Lille
Classification: Pathogenic for Seizures, benign familial neonatal, 1. Review status: criteria provided, single submitter. Criteria: ACMG Guidelines, 2015. Collection method: clinical testing. Allele origin: inherited. Affected: yes.

Diagnostic Laboratory, Strasbourg University Hospital
Classification: Pathogenic for Intellectual disability. Last evaluated: 2017-12-01. Review status: no assertion criteria provided. Collection method: clinical testing. Allele origin: de novo. Inheritance: Autosomal dominant inheritance. Affected: yes. Observed: 1 heterozygote. Not counted in ClinVar's aggregate classification.

GeneReviews
No classification provided. Condition: Developmental and epileptic encephalopathy, 7. Review status: no classification provided. Collection method: literature only. Allele origin: germline. Affected: yes. Not counted in ClinVar's aggregate classification.
Comment: EE (epileptic encephalopathy)

Literature cited by the submitters: PubMed 28602030 (cited by Labcorp Genetics (formerly Invitae), Labcorp); PubMed 25818041 (cited by GeneReviews); NCBI Bookshelf NBK32534 (cited by GeneReviews).

NM_172107.4(KCNQ2):c.628C>T (p.Arg210Cys)

Gene: KCNQ2 (potassium voltage-gated channel subfamily Q member 2; minus strand). Cytogenetic location: 20q13.33.
Variant type: single nucleotide variant.
Coding change: c.628C>T on transcript NM_172107.4 (MANE Select); coding-DNA position 628, C replaced by T.
Protein change: p.Arg210Cys; replaces arginine 210 with cysteine.
Molecular consequence: missense variant.
Genome position (GRCh38, 1-based): chr20:63,444,721, G>A on the plus strand (C>T on the coding strand, the complement: KCNQ2 is on the minus strand). VCF-style: chr20-63444721-G-A. GRCh37 (hg19) VCF-style: chr20-62076074-G-A.
Other names: KCNQ2; c.628C>T, p.Arg210Cys (NM_004518.6, NM_172106.3, NM_172108.5 and 1 more transcripts); short protein forms R210C.
Identifiers: ClinVar variation 205873 (VCV000205873.15), dbSNP rs796052626, ClinGen allele CA315370.